The following is an entry in ClinVar:

ClinVar aggregate classification (germline): Uncertain significance (1 of 4 stars; one submission).

Allele frequency attached by ClinVar (database versions not stated): gnomAD exomes below 0.00001; TOPMed below 0.00001.
gnomAD v4.1: 3 of 1,614,144 alleles (0.00019%); highest among the groups gnomAD compares: Middle Eastern, 0.016%; no homozygotes.

Submission:

Center for Pediatric Genomic Medicine, Children's Mercy Hospital and Clinics
Classification: Uncertain significance. Last evaluated: 2016-11-02. Review status: criteria provided, single submitter. Criteria: ACMG Guidelines, 2015. Collection method: clinical testing. Allele origin: germline.
ClinVar note: Converted during submission from Uncertain Significance to Uncertain significance.

NM_024678.6(NARS2):c.47C>T (p.Ser16Phe)

Gene: NARS2 (asparaginyl-tRNA synthetase 2, mitochondrial; minus strand). Cytogenetic location: 11q14.1.
Variant type: single nucleotide variant.
Coding change: c.47C>T on transcript NM_024678.6 (MANE Select); coding-DNA position 47, C replaced by T.
Protein change: p.Ser16Phe; replaces serine 16 with phenylalanine.
Molecular consequence: missense variant. On other transcripts: intron variant (1).
Genome position (GRCh38, 1-based): chr11:78,574,442, G>A on the plus strand (C>T on the coding strand, the complement: NARS2 is on the minus strand). VCF-style: chr11-78574442-G-A. GRCh37 (hg19) VCF-style: chr11-78285487-G-A.
Other names: c.-541+387C>T (NM_001243251.2); short protein forms S16F.
Identifiers: ClinVar variation 376982 (VCV000376982.3), dbSNP rs777015479, ClinGen allele CA16603226.